The following is an entry in ClinVar:

ClinVar aggregate classification (germline): Uncertain significance (1 of 4 stars; one submission).

gnomAD v4.1: 2 of 1,611,176 alleles (0.00012%); no homozygotes.

Submission:

Labcorp Genetics (formerly Invitae), Labcorp
Classification: Uncertain significance. Last evaluated: 2023-09-30. Review status: criteria provided, single submitter. Criteria: Invitae Variant Classification Sherloc (09022015). Collection method: clinical testing. Allele origin: germline.
Comment: In summary, the available evidence is currently insufficient to determine the role of this variant in disease. Therefore, it has been classified as a Variant of Uncertain Significance. An algorithm developed to predict the effect of missense changes on protein structure and function (PolyPhen-2) suggests that this variant is likely to be tolerated. This variant has not been reported in the literature in individuals affected with PNPLA8-related conditions. This variant is not present in population databases (gnomAD no frequency). This sequence change replaces threonine, which is neutral and polar, with serine, which is neutral and polar, at codon 419 of the PNPLA8 protein (p.Thr419Ser).

NM_001256007.3(PNPLA8):c.1256C>G (p.Thr419Ser)

Gene: PNPLA8 (patatin like domain 8, phospholipase A2; minus strand). Cytogenetic location: 7q31.1.
Variant type: single nucleotide variant.
Coding change: c.1256C>G on transcript NM_001256007.3 (MANE Select); coding-DNA position 1256, C replaced by G.
Protein change: p.Thr419Ser; replaces threonine 419 with serine.
Molecular consequence: missense variant.
Genome position (GRCh38, 1-based): chr7:108,502,593, G>C on the plus strand (C>G on the coding strand, the complement: PNPLA8 is on the minus strand). VCF-style: chr7-108502593-G-C. GRCh37 (hg19) VCF-style: chr7-108143037-G-C.
Other names: c.1256C>G, p.Thr419Ser (NM_001256008.3, NM_001256009.3, NM_015723.5); c.956C>G, p.Thr319Ser (NM_001256010.3, NM_001256011.3); short protein forms T319S, T419S.
Identifiers: ClinVar variation 2797396 (VCV002797396.3), dbSNP rs981014884, ClinGen allele CA368897021.
Genomic context (GRCh38, chr7:108,502,593, plus strand): 5'-CCTTTCACTGGATCCACATAGCCAATTAGGGCCAAAATTTCTCTAACTGCAGCCTGAAGA[G>C]TTTCATCCTTAATTTGTCTCAGTCGTAATAAATATGGAATAATTCTTTCCTATATTGAGA-3'
Protein context (NP_001242936.1, residues 409-429): LLRLRQIKDE[Thr419Ser]LQAAVREILA